The following is an entry in ClinVar:

ClinVar aggregate classification (germline): Uncertain significance (0 of 4 stars; one submission).

Conditions:
Melanoma, cutaneous malignant, susceptibility to, 3. Also called: Cutaneous malignant melanoma 3. Identifiers: Orphanet 618, MedGen C1836892, MONDO:0012183, OMIM 609048.

Submission:

Diagnostics Centre, Carl Von Ossietzky University Oldenburg
Classification: Uncertain significance for Melanoma, cutaneous malignant, susceptibility to, 3. Last evaluated: 2026-01-26. Review status: no assertion criteria provided. Collection method: clinical testing. Allele origin: germline. Affected: yes. Observed: 1 variant allele.
Comment: The variant NM_000075.4(CDK4):c.70C>A p.(Arg24Ser) located in the exon 2 of the CDK4 gene results from a cytosine-to-adenine substitution at nucleotide position c.70. The arginine at protein position 24 is replaced by a serine. In silico tools predict a severe deleterious effect in the protein structure/function (REVEL = 0.52). The disease associated with this gene shows a high degree of concordance with the patient's reported phenotype. A different missense variant located in the same protein position (Arg24His and Arg24Cys) was previously described as (Likely) pathogenic (ClinVar IDs: 16929 and 16928). The variant has not previously been reported in ClinVar or in any publications known to us. In the general population, this variant is considered very rare, as it has not been reported in gnomAD. In summary, the variant is classified as a variant of uncertain significance (VUS).

NM_000075.4(CDK4):c.70C>A (p.Arg24Ser)

Gene: CDK4 (cyclin dependent kinase 4; minus strand). Cytogenetic location: 12q14.1.
Variant type: single nucleotide variant.
Coding change: c.70C>A on transcript NM_000075.4 (MANE Select); coding-DNA position 70, C replaced by A.
Protein change: p.Arg24Ser; replaces arginine 24 with serine.
Molecular consequence: missense variant.
Genome position (GRCh38, 1-based): chr12:57,751,648, G>T on the plus strand (C>A on the coding strand, the complement: CDK4 is on the minus strand). VCF-style: chr12-57751648-G-T. GRCh37 (hg19) VCF-style: chr12-58145431-G-T.
Other names: short protein forms R24S.
Identifiers: ClinVar variation 4886814 (VCV004886814.1), dbSNP rs11547328.